The following is an entry in ClinVar:

NM_003824.4(FADD):c.168G>T (p.Glu56Asp)

Gene: FADD (Fas associated via death domain; plus strand). Cytogenetic location: 11q13.3.
Variant type: single nucleotide variant.
Coding change: c.168G>T on transcript NM_003824.4 (MANE Select); coding-DNA position 168, G replaced by T.
Protein change: p.Glu56Asp; replaces glutamic acid 56 with aspartic acid.
Molecular consequence: missense variant.
Genome position (GRCh38, 1-based): chr11:70,203,627, G>T. VCF-style: chr11-70203627-G-T. GRCh37 (hg19) VCF-style: chr11-70049733-G-T.
Other names: short protein forms E56D.
Identifiers: ClinVar variation 539062 (VCV000539062.8), dbSNP rs777501231, ClinGen allele CA6158411.

ClinVar aggregate classification (germline): Uncertain significance (1 of 4 stars; one submission).

Conditions:
FADD-related immunodeficiency. Also called: Infections, recurrent, with encephalopathy, hepatic dysfunction, and cardiovascular malformations; FADD DEFICIENCY. Identifiers: Orphanet 306550, MedGen C3151062, MONDO:0013408, OMIM 613759.

Allele frequency attached by ClinVar (database versions not stated): gnomAD below 0.00001 and 0.00001; ExAC 0.00004; gnomAD exomes 0.00004.
gnomAD v4.1: 17 of 1,591,716 alleles (0.0011%); highest among the groups gnomAD compares: South Asian, 0.016%; no homozygotes.

Submission:

Labcorp Genetics (formerly Invitae), Labcorp
Classification: Uncertain significance for FADD-related immunodeficiency. Last evaluated: 2022-07-09. Review status: criteria provided, single submitter. Criteria: Invitae Variant Classification Sherloc (09022015). Collection method: clinical testing. Allele origin: germline.
Comment: This sequence change replaces glutamic acid, which is acidic and polar, with aspartic acid, which is acidic and polar, at codon 56 of the FADD protein (p.Glu56Asp). This variant is present in population databases (rs777501231, gnomAD 0.02%). This variant has not been reported in the literature in individuals affected with FADD-related conditions. ClinVar contains an entry for this variant (Variation ID: 539062). Algorithms developed to predict the effect of missense changes on protein structure and function output the following: SIFT: "Tolerated"; PolyPhen-2: "Benign"; Align-GVGD: "Class C0". The aspartic acid amino acid residue is found in multiple mammalian species, which suggests that this missense change does not adversely affect protein function. In summary, the available evidence is currently insufficient to determine the role of this variant in disease. Therefore, it has been classified as a Variant of Uncertain Significance.